The following is an entry in ClinVar:

NM_004560.4(ROR2):c.2204G>A (p.Arg735Gln)

Gene: ROR2 (receptor tyrosine kinase like orphan receptor 2; minus strand). Cytogenetic location: 9q22.31.
Variant type: single nucleotide variant.
Coding change: c.2204G>A on transcript NM_004560.4 (MANE Select); coding-DNA position 2204, G replaced by A.
Protein change: p.Arg735Gln; replaces arginine 735 with glutamine.
Molecular consequence: missense variant.
Genome position (GRCh38, 1-based): chr9:91,724,290, C>T on the plus strand (G>A on the coding strand, the complement: ROR2 is on the minus strand). VCF-style: chr9-91724290-C-T. GRCh37 (hg19) VCF-style: chr9-94486572-C-T.
Other names: short protein forms R735Q.
Identifiers: ClinVar variation 2413585 (VCV002413585.7), dbSNP rs552714728, ClinGen allele CA5120458.

ClinVar aggregate classification (germline): Uncertain significance. Review status: criteria provided, multiple submitters, no conflicts (2 of 4 stars). 2 submissions from 2 submitters: Uncertain significance (2). Last evaluated 2024-05-01.

Allele frequency attached by ClinVar (database versions not stated): gnomAD 0.00003; TOPMed 0.00003.
gnomAD v4.1: 61 of 1,613,152 alleles (0.0038%); highest among the groups gnomAD compares: South Asian, 0.024%; no homozygotes.

Submissions (2):

Women's Health and Genetics/Laboratory Corporation of America, LabCorp
Classification: Uncertain significance. Last evaluated: 2024-05-01. Review status: criteria provided, single submitter. Criteria: LabCorp Variant Classification Summary - May 2015. Collection method: clinical testing. Allele origin: germline.
Comment: Variant summary: ROR2 c.2204G>A (p.Arg735Gln) results in a conservative amino acid change located in the Protein kinase domain (IPR000719) of the encoded protein sequence. Three of five in-silico tools predict a benign effect of the variant on protein function. The variant allele was found at a frequency of 3.6e-05 in 249564 control chromosomes (gnomAD). The available data on variant occurrences in the general population are insufficient to allow any conclusion about variant significance. To our knowledge, no occurrence of c.2204G>A in individuals affected with Brachydactyly Type B1 and no experimental evidence demonstrating its impact on protein function have been reported. ClinVar contains an entry for this variant (Variation ID: 2413585). Based on the evidence outlined above, the variant was classified as uncertain significance.

Labcorp Genetics (formerly Invitae), Labcorp
Classification: Uncertain significance. Last evaluated: 2023-09-25. Review status: criteria provided, single submitter. Criteria: Invitae Variant Classification Sherloc (09022015). Collection method: clinical testing. Allele origin: germline.
Comment: Advanced modeling of protein sequence and biophysical properties (such as structural, functional, and spatial information, amino acid conservation, physicochemical variation, residue mobility, and thermodynamic stability) performed at Invitae indicates that this missense variant is not expected to disrupt ROR2 protein function. This sequence change replaces arginine, which is basic and polar, with glutamine, which is neutral and polar, at codon 735 of the ROR2 protein (p.Arg735Gln). This variant is present in population databases (rs552714728, gnomAD 0.02%). This variant has not been reported in the literature in individuals affected with ROR2-related conditions. ClinVar contains an entry for this variant (Variation ID: 2413585). In summary, the available evidence is currently insufficient to determine the role of this variant in disease. Therefore, it has been classified as a Variant of Uncertain Significance.